The following is an entry in ClinVar:

ClinVar aggregate classification (germline): Uncertain significance (1 of 4 stars; one submission).

Conditions:
Parkinson disease (PD). Identifiers: MedGen C0030567, MeSH D010300, MONDO:0005180.

Submission:

Laboratorio de Medicina Genómica, Centro Medico Nacional 20de Noviembre, Instituto de Seguridad Y Servicios Sociales de Los Trabajadores Del Estado
Classification: Uncertain significance for Parkinson disease. Review status: criteria provided, single submitter. Criteria: ACMG Guidelines, 2015. Collection method: clinical testing. Allele origin: germline. Affected: yes.
Comment: Classified as Uncertain significance based on ACMG criteria: PP3 (multiple computational tools including CADD ~12–15 and RegulomeDB 3–4 support a potential regulatory effect). The variant is located in the 3′UTR region of LRRK2 and shows eQTL-compatible regulatory evidence. However, functional validation and segregation data are not available, precluding pathogenic or benign classification.

NC_000012.12:g.40763013A>T

Genes: CNTN1 (contactin 1; plus strand), LRRK2 (leucine rich repeat kinase 2; plus strand). Cytogenetic location: 12q12.
Variant type: single nucleotide variant.
Molecular consequence: intron variant (on NM_001843.4).
Genome position: GRCh38 VCF-style: chr12-40763013-A-T. GRCh37 (hg19) VCF-style: chr12-41156815-A-T.
Other names: c.-77+70421A>T (NM_001843.4, NM_001256063.2).
Identifiers: ClinVar variation 4796671 (VCV004796671.1).